The following is an entry in ClinVar:

NM_001127208.3(TET2):c.2929A>C (p.Met977Leu)

Genes: TET2 (tet methylcytosine dioxygenase 2; plus strand), TET2-AS1 (TET2 antisense RNA 1; minus strand). Cytogenetic location: 4q24.
Variant type: single nucleotide variant.
Coding change: c.2929A>C on transcript NM_001127208.3 (MANE Select); coding-DNA position 2929, A replaced by C.
Protein change: p.Met977Leu; replaces methionine 977 with leucine.
Molecular consequence: missense variant.
Genome position (GRCh38, 1-based): chr4:105,236,871, A>C. VCF-style: chr4-105236871-A-C. GRCh37 (hg19) VCF-style: chr4-106158028-A-C.
Other names: c.2929A>C, p.Met977Leu (NM_017628.4); short protein forms M977L.
Identifiers: ClinVar variation 5030692 (VCV005030692.1).

ClinVar aggregate classification (germline): Uncertain significance (1 of 4 stars; one submission).

Submission:

Ambry Genetics
Classification: Uncertain significance. Last evaluated: 2026-07-01. Review status: criteria provided, single submitter. Criteria: Ambry Variant Classification Scheme 2023. Collection method: clinical testing. Allele origin: germline.
Comment: The p.M977L variant (also known as c.2929A>C), located in coding exon 1 of the TET2 gene, results from an A to C substitution at nucleotide position 2929. The methionine at codon 977 is replaced by leucine, an amino acid with highly similar properties. This amino acid position is conserved. In addition, this alteration is predicted to be tolerated by in silico analysis. Based on the available evidence, the clinical significance of this variant remains unclear.